The following is an entry in ClinVar:

ClinVar aggregate classification (germline): Uncertain significance (1 of 4 stars; one submission).

Conditions:
Arrhythmogenic right ventricular dysplasia 10. Also called: Arrhythmogenic Right Ventricular Dysplasia/Cardiomyopathy10; ARRHYTHMOGENIC RIGHT VENTRICULAR DYSPLASIA, FAMILIAL, 10; Arrhythmogenic right ventricular dysplasia/cardiomyopathy, type 10. Identifiers: MedGen C1857777, MONDO:0012434, OMIM 610193.

Submission:

Labcorp Genetics (formerly Invitae), Labcorp
Classification: Uncertain significance for Arrhythmogenic right ventricular dysplasia 10. Last evaluated: 2025-12-13. Review status: criteria provided, single submitter. Criteria: Invitae Variant Classification Sherloc (09022015). Collection method: clinical testing. Allele origin: germline.
Comment: This sequence change replaces glycine, which is neutral and non-polar, with glutamic acid, which is acidic and polar, at codon 246 of the DSG2 protein (p.Gly246Glu). This variant is present in population databases (rs546455032, gnomAD 0.006%). This variant has not been reported in the literature in individuals affected with DSG2-related conditions. Invitae Evidence Modeling of protein sequence and biophysical properties (such as structural, functional, and spatial information, amino acid conservation, physicochemical variation, residue mobility, and thermodynamic stability) has been performed for this missense variant. However, the output from this modeling did not meet the statistical confidence thresholds required to predict the impact of this variant on DSG2 protein function. In summary, the available evidence is currently insufficient to determine the role of this variant in disease. Therefore, it has been classified as a Variant of Uncertain Significance.

NM_001943.5(DSG2):c.737G>A (p.Gly246Glu)

Gene: DSG2 (desmoglein 2; plus strand). Cytogenetic location: 18q12.1.
Variant type: single nucleotide variant.
Coding change: c.737G>A on transcript NM_001943.5 (MANE Select); coding-DNA position 737, G replaced by A.
Protein change: p.Gly246Glu; replaces glycine 246 with glutamic acid.
Molecular consequence: missense variant.
Genome position (GRCh38, 1-based): chr18:31,524,494, G>A. VCF-style: chr18-31524494-G-A. GRCh37 (hg19) VCF-style: chr18-29104457-G-A.
Other names: short protein forms G246E.
Identifiers: ClinVar variation 4768076 (VCV004768076.1).
Genomic context (GRCh38, chr18:31,524,494, plus strand): 5'-TCATTGCTCTGCAGGAACACAGCAGCTACACTTTGACAGTAGAAGCAAGAGATGGCAATG[G>A]AGAAGTTACAGACAAACCTGTAAAACAAGCTCAAGTTCAGATTCGTATTTTGGATGTCAA-3'
Protein context (NP_001934.2, residues 236-256): TLTVEARDGN[Gly246Glu]EVTDKPVKQA